The following is an entry in ClinVar:

NM_022455.5(NSD1):c.3965G>C (p.Arg1322Pro)

Gene: NSD1 (nuclear receptor binding SET domain protein 1; plus strand). Cytogenetic location: 5q35.3.
Variant type: single nucleotide variant.
Coding change: c.3965G>C on transcript NM_022455.5 (MANE Select); coding-DNA position 3965, G replaced by C.
Protein change: p.Arg1322Pro; replaces arginine 1322 with proline.
Molecular consequence: missense variant.
Genome position (GRCh38, 1-based): chr5:177,238,280, G>C. VCF-style: chr5-177238280-G-C. GRCh37 (hg19) VCF-style: chr5-176665281-G-C.
Other names: c.3092G>C, p.Arg1031Pro (NM_001365684.2, NM_001409306.1, NM_001409307.1 and 3 more transcripts); c.3965G>C, p.Arg1322Pro (NM_001409301.1, NM_001409302.1, NM_001409303.1); c.3545G>C, p.Arg1182Pro (NM_001409304.1); c.3212G>C, p.Arg1071Pro (NM_001409305.1); short protein forms R1322P, R1053P, R1031P, R1071P, R1182P.
Identifiers: ClinVar variation 1033596 (VCV001033596.12), dbSNP rs750684515, ClinGen allele CA362339722.

ClinVar aggregate classification (germline): Conflicting classifications of pathogenicity. Review status: criteria provided, conflicting classifications (1 of 4 stars). 3 submissions from 3 submitters: Uncertain significance (2); Likely benign (1). Last evaluated 2022-08-15.

Conditions:
Sotos syndrome (SOTOS). Also called: Sotos' syndrome; CHROMOSOME 5q35 DELETION SYNDROME; SOTOS SYNDROME 1; Distinctive facial appearance, overgrowth in childhood, and learning disabilities or delayed development; CEREBRAL GIGANTISM. Identifiers: Orphanet 821, MedGen C0175695, MONDO:0019349, OMIM 117550.

gnomAD v4.1: 1 of 1,614,090 alleles (0.000062%); highest among the groups gnomAD compares: Admixed American, 0.0017%; no homozygotes.

Submissions (3):

Labcorp Genetics (formerly Invitae), Labcorp
Classification: Likely benign. Last evaluated: 2022-08-15. Review status: criteria provided, single submitter. Criteria: Invitae Variant Classification Sherloc (09022015). Collection method: clinical testing. Allele origin: germline.

Genome-Nilou Lab
Classification: Uncertain significance for Sotos syndrome. Last evaluated: 2021-07-15. Review status: criteria provided, single submitter. Criteria: ACMG Guidelines, 2015. Collection method: clinical testing. Allele origin: germline. Affected: no.

Baylor Genetics
Classification: Uncertain significance for Sotos syndrome. Last evaluated: 2018-09-21. Review status: criteria provided, single submitter. Criteria: ACMG Guidelines, 2015. Collection method: clinical testing. Allele origin: unknown. Affected: yes.
Comment: This variant was determined to be of uncertain significance according to ACMG Guidelines, 2015 [PMID:25741868].